The following is an entry in ClinVar:

NM_001212.4(C1QBP):c.565C>T (p.Pro189Ser)

Gene: C1QBP (complement C1q binding protein; minus strand). Cytogenetic location: 17p13.2.
Variant type: single nucleotide variant.
Coding change: c.565C>T on transcript NM_001212.4 (MANE Select); coding-DNA position 565, C replaced by T.
Protein change: p.Pro189Ser; replaces proline 189 with serine.
Molecular consequence: missense variant.
Genome position (GRCh38, 1-based): chr17:5,433,680, G>A on the plus strand (C>T on the coding strand, the complement: C1QBP is on the minus strand). VCF-style: chr17-5433680-G-A. GRCh37 (hg19) VCF-style: chr17-5337000-G-A.
Other names: short protein forms P189S.
Identifiers: ClinVar variation 4806204 (VCV004806204.1).
Genomic context (GRCh38, chr17:5,433,680, plus strand): 5'-CACACTGTTCCCCAGGGGTGCCAAGAGGCTAGCACTCCATCCTGCATACCTCATCCTCTG[G>A]ATAATGACAGTCCAACACAAGGGCCTTCTTGCCATCATCATTCTTTATAACTTCAACCAC-3'
Protein context (NP_001203.1, residues 179-199): KKALVLDCHY[Pro189Ser]EDEVGQEDEA

ClinVar aggregate classification (germline): Uncertain significance (1 of 4 stars; one submission).

gnomAD v4.1: 1 of 1,614,128 alleles (0.000062%); highest among the groups gnomAD compares: Non-Finnish European, 0.000085%; no homozygotes.

Submission:

Labcorp Genetics (formerly Invitae), Labcorp
Classification: Uncertain significance. Last evaluated: 2025-10-23. Review status: criteria provided, single submitter. Criteria: Invitae Variant Classification Sherloc (09022015). Collection method: clinical testing. Allele origin: germline.
Comment: This sequence change replaces proline, which is neutral and non-polar, with serine, which is neutral and polar, at codon 189 of the C1QBP protein (p.Pro189Ser). This variant is not present in population databases (gnomAD no frequency). This variant has not been reported in the literature in individuals affected with C1QBP-related conditions. Invitae Evidence Modeling of protein sequence and biophysical properties (such as structural, functional, and spatial information, amino acid conservation, physicochemical variation, residue mobility, and thermodynamic stability) indicates that this missense variant is not expected to disrupt C1QBP protein function with a negative predictive value of 80%. In summary, the available evidence is currently insufficient to determine the role of this variant in disease. Therefore, it has been classified as a Variant of Uncertain Significance.